The following is an entry in ClinVar:

ClinVar aggregate classification (germline): Uncertain significance (1 of 4 stars; one submission).

Submission:

GeneDx
Classification: Uncertain significance. Last evaluated: 2026-03-22. Review status: criteria provided, single submitter. Criteria: GeneDx Variant Classification Process June 2021. Collection method: clinical testing. Allele origin: germline.
Comment: Not observed at significant frequency in large population cohorts (gnomAD); In silico analysis supports that this missense variant has a deleterious effect on protein structure/function; Has not been previously published as pathogenic or benign to our knowledge

NM_003587.5(DHX16):c.2215A>G (p.Thr739Ala)

Gene: DHX16 (DEAH-box helicase 16; minus strand). Cytogenetic location: 6p21.33.
Variant type: single nucleotide variant.
Coding change: c.2215A>G on transcript NM_003587.5 (MANE Select); coding-DNA position 2215, A replaced by G.
Protein change: p.Thr739Ala; replaces threonine 739 with alanine.
Molecular consequence: missense variant.
Genome position (GRCh38, 1-based): chr6:30,656,693, T>C on the plus strand (A>G on the coding strand, the complement: DHX16 is on the minus strand). VCF-style: chr6-30656693-T-C. GRCh37 (hg19) VCF-style: chr6-30624470-T-C.
Other names: c.2035A>G, p.Thr679Ala (NM_001164239.2); c.772A>G, p.Thr258Ala (NM_001363515.2); short protein forms T258A, T679A, T739A.
Identifiers: ClinVar variation 5017213 (VCV005017213.1).